The following is an entry in ClinVar:

ClinVar aggregate classification (germline): Likely benign. Review status: criteria provided, multiple submitters, no conflicts (2 of 4 stars). 3 submissions from 3 submitters: Likely benign (2). 1 of the submissions does not count toward it. Last evaluated 2026-09-01.

Conditions:
Amyotrophic lateral sclerosis type 6. Also called: AMYOTROPHIC LATERAL SCLEROSIS 6 WITHOUT FRONTOTEMPORAL DEMENTIA; Amyotrophic lateral sclerosis 6, with or without frontotemporal dementia; FUS-Related Amyotrophic Laterial Sclerosis. Identifiers: Orphanet 275872, Orphanet 803, MedGen C2931786, MONDO:0011951, OMIM 608030.
Tremor, hereditary essential, 4 (ETM4). Identifiers: MedGen C3539195, MONDO:0013888, OMIM 614782.
FUS-related disorder. Also called: FUS-related condition.

Allele frequency attached by ClinVar (database versions not stated): ExAC 0.00003; gnomAD 0.00003; TOPMed 0.00003.
gnomAD v4.1: 31 of 1,605,216 alleles (0.0019%); highest among the groups gnomAD compares: Middle Eastern, 0.016%; no homozygotes.

Submissions (3):

CeGaT Center for Human Genetics Tuebingen
Classification: Likely benign. Last evaluated: 2026-09-01. Review status: criteria provided, single submitter. Criteria: CeGaT Center For Human Genetics Tuebingen Variant Classification Criteria Version 2. Collection method: clinical testing. Allele origin: germline. Affected: yes. Observed: 2 variant alleles.
Comment: FUS: BP4, BP7

Labcorp Genetics (formerly Invitae), Labcorp
Classification: Likely benign for Tremor, hereditary essential, 4; Amyotrophic lateral sclerosis type 6. Last evaluated: 2025-05-07. Review status: criteria provided, single submitter. Criteria: Invitae Variant Classification Sherloc (09022015). Collection method: clinical testing. Allele origin: germline.

PreventionGenetics, part of Exact Sciences
Classification: Likely benign for FUS-related condition. Last evaluated: 2024-09-24. Review status: no assertion criteria provided. Collection method: clinical testing. Allele origin: germline. Not counted in ClinVar's aggregate classification.
Comment: This variant is classified as likely benign based on ACMG/AMP sequence variant interpretation guidelines (Richards et al. 2015 PMID: 25741868, with internal and published modifications).

NM_004960.4(FUS):c.678C>T (p.Gly226=)

Gene: FUS (FUS DNA/RNA binding protein; plus strand). Cytogenetic location: 16p11.2.
Variant type: single nucleotide variant.
Coding change: c.678C>T on transcript NM_004960.4 (MANE Select); coding-DNA position 678, C replaced by T.
Protein change: p.Gly226=; no amino-acid change (glycine 226 retained).
Molecular consequence: synonymous variant. On other transcripts: non-coding transcript variant (1).
Genome position (GRCh38, 1-based): chr16:31,185,093, C>T. VCF-style: chr16-31185093-C-T. GRCh37 (hg19) VCF-style: chr16-31196414-C-T.
Other names: c.675C>T, p.Gly225= (NM_001170634.1); c.666C>T, p.Gly222= (NM_001170937.1).
Identifiers: ClinVar variation 2950499 (VCV002950499.25), dbSNP rs766928625, ClinGen allele CA8023754.